The following is an entry in ClinVar:

ClinVar aggregate classification (germline): Uncertain significance. Review status: criteria provided, multiple submitters, no conflicts (2 of 4 stars). 2 submissions from 2 submitters: Uncertain significance (2). Last evaluated 2024-01-16.

Conditions:
Inborn genetic diseases. Identifiers: MedGen C0950123, MeSH D030342.
Short-rib thoracic dysplasia 7 with or without polydactyly (SRTD7). Also called: Short rib polydactyly syndrome 5; SHORT-RIB THORACIC DYSPLASIA 7 WITH POLYDACTYLY. Identifiers: Orphanet 498497, Orphanet 93271, MedGen C3279792, MONDO:0013569, OMIM 614091.
Cranioectodermal dysplasia 2 (CED2). Identifiers: Orphanet 1515, MedGen C3150874, MONDO:0013323, OMIM 613610.

Allele frequency attached by ClinVar (database versions not stated): ExAC 0.00001; gnomAD exomes 0.00001; gnomAD 0.00002; TOPMed 0.00002; ESP Exome Variant Server 0.00008.
gnomAD v4.1: 15 of 1,613,834 alleles (0.00093%); highest among the groups gnomAD compares: African/African-American, 0.0027%; no homozygotes.

Submissions (2):

Ambry Genetics
Classification: Uncertain significance for Inborn genetic diseases. Last evaluated: 2024-01-16. Review status: criteria provided, single submitter. Criteria: Ambry Variant Classification Scheme 2023. Collection method: clinical testing. Allele origin: germline.

Labcorp Genetics (formerly Invitae), Labcorp
Classification: Uncertain significance for Cranioectodermal dysplasia 2; Short-rib thoracic dysplasia 7 with or without polydactyly. Last evaluated: 2022-05-30. Review status: criteria provided, single submitter. Criteria: Invitae Variant Classification Sherloc (09022015). Collection method: clinical testing. Allele origin: germline.
Comment: This sequence change replaces arginine, which is basic and polar, with cysteine, which is neutral and slightly polar, at codon 148 of the WDR35 protein (p.Arg148Cys). This variant is present in population databases (rs376071012, gnomAD 0.003%). This variant has not been reported in the literature in individuals affected with WDR35-related conditions. Algorithms developed to predict the effect of missense changes on protein structure and function (SIFT, PolyPhen-2, Align-GVGD) all suggest that this variant is likely to be disruptive. In summary, the available evidence is currently insufficient to determine the role of this variant in disease. Therefore, it has been classified as a Variant of Uncertain Significance.

NM_020779.4(WDR35):c.442C>T (p.Arg148Cys)

Gene: WDR35 (WD repeat domain 35; minus strand). Cytogenetic location: 2p24.1.
Variant type: single nucleotide variant.
Coding change: c.442C>T on transcript NM_020779.4 (MANE Select); coding-DNA position 442, C replaced by T.
Protein change: p.Arg148Cys; replaces arginine 148 with cysteine.
Molecular consequence: missense variant.
Genome position (GRCh38, 1-based): chr2:19,975,658, G>A on the plus strand (C>T on the coding strand, the complement: WDR35 is on the minus strand). VCF-style: chr2-19975658-G-A. GRCh37 (hg19) VCF-style: chr2-20175419-G-A.
Other names: c.442C>T, p.Arg148Cys (NM_001006657.2); c.442C>T (NM_001006657.1); short protein forms R148C.
Identifiers: ClinVar variation 2083531 (VCV002083531.2), dbSNP rs376071012, ClinGen allele CA1543518.
Genomic context (GRCh38, chr2:19,975,658, plus strand): 5'-TGTCCGCAGACCATGTTACATGGGATAGCTGTATACCCTTCAGGTCTTTTCCCCAAATAC[G>A]ATTGCCTAAAACAAAACATTATTAAAAGTTGTTCAAGGTCATGATCCTCCAACAACGGCT-3'
Protein context (NP_065830.2, residues 138-158): AVIVGSVDGN[Arg148Cys]IWGKDLKGIQ